The following is an entry in ClinVar:

NM_030773.4(TUBB1):c.1170A>G (p.Lys390=)

Gene: TUBB1 (tubulin beta 1 class VI; plus strand). Cytogenetic location: 20q13.32.
Variant type: single nucleotide variant.
Coding change: c.1170A>G on transcript NM_030773.4 (MANE Select); coding-DNA position 1170, A replaced by G.
Protein change: p.Lys390=; no amino-acid change (lysine 390 retained).
Molecular consequence: synonymous variant.
Genome position (GRCh38, 1-based): chr20:59,024,597, A>G. VCF-style: chr20-59024597-A-G. GRCh37 (hg19) VCF-style: chr20-57599652-A-G.
Identifiers: ClinVar variation 3618422 (VCV003618422.3).

ClinVar aggregate classification (germline): Likely benign. Review status: criteria provided, multiple submitters, no conflicts (2 of 4 stars). 2 submissions from 2 submitters: Likely benign (2). Last evaluated 2025-12-08.

Conditions:
TUBB1-related disorder. Also called: TUBB1-related condition.

Submissions (2):

PreventionGenetics, part of Exact Sciences
Classification: Likely benign for TUBB1-related condition. Last evaluated: 2025-12-08. Review status: criteria provided, single submitter. Criteria: ACMG Guidelines, 2015. Collection method: clinical testing. Allele origin: germline.
Comment: This variant is classified as likely benign based on ACMG/AMP sequence variant interpretation guidelines (Richards et al. 2015 PMID: 25741868, with internal and published modifications).

Labcorp Genetics (formerly Invitae), Labcorp
Classification: Likely benign. Last evaluated: 2025-10-20. Review status: criteria provided, single submitter. Criteria: Invitae Variant Classification Sherloc (09022015). Collection method: clinical testing. Allele origin: germline.